The following is an entry in ClinVar:

NM_006306.4(SMC1A):c.2421-3_2421-2del

Gene: SMC1A (structural maintenance of chromosomes 1A; minus strand). Cytogenetic location: Xp11.22.
Variant type: Microsatellite.
Coding change: c.2421-3_2421-2del on transcript NM_006306.4 (MANE Select); 3 bases into the intron before coding-DNA position 2421 through the canonical splice acceptor site of the intron before coding-DNA position 2421, 2 bases deleted (CA; older notation c.2421-3_2421-2delCA).
Molecular consequence: splice acceptor variant.
Genome position (GRCh38, 1-based): chrX:53,399,732-53,399,733, TG deleted on the plus strand (CA on the coding strand, the reverse complement: SMC1A is on the minus strand); deleting any 2 consecutive bases within chrX:53,399,732-53,399,736 gives the same sequence; the c. name uses the placement nearest the transcript's 3' end. VCF-style (leftmost placement, unchanged base first): chrX-53399731-CTG-C. GRCh37 (hg19) VCF-style: chrX-53426653-CTG-C.
Other names: c.2355-3_2355-2del (NM_001281463.1).
Identifiers: ClinVar variation 1678393 (VCV001678393.3), dbSNP rs2075664421, ClinGen allele CA2429823382.
Genomic context (GRCh38, chrX:53,399,731, plus strand): 5'-TGGTTCTTTTCAAAATCCAACTGAATGCCCAAGCGAGTCTTCTGATTCTCAAACTCCAAA[CTG>C]TGTATAAAGGTGGGGGGAGAATCACTCATAATCTCATCAGCCAGAGATAACCAATGTACA-3'

ClinVar aggregate classification (germline): Uncertain significance. Review status: criteria provided, multiple submitters, no conflicts (2 of 4 stars). 3 submissions from 3 submitters: Uncertain significance (3). Last evaluated 2024-12-02.

Conditions:
Congenital muscular hypertrophy-cerebral syndrome (CDLS2). Also called: Cornelia de Lange syndrome 2; SMC1A-Related Cornelia de Lange Syndrome. Identifiers: Orphanet 199, MedGen C1802395, MONDO:0010370, OMIM 300590.
Developmental and epileptic encephalopathy, 85, with or without midline brain defects. Also called: EPILEPTIC ENCEPHALOPATHY, EARLY INFANTILE, 85, WITH OR WITHOUT MIDLINE BRAIN DEFECTS. Identifiers: MedGen C5393312, MONDO:0026771, OMIM 301044.

Submissions (3):

Labcorp Genetics (formerly Invitae), Labcorp
Classification: Uncertain significance for Congenital muscular hypertrophy-cerebral syndrome. Last evaluated: 2024-12-02. Review status: criteria provided, single submitter. Criteria: Invitae Variant Classification Sherloc (09022015). Collection method: clinical testing. Allele origin: germline.
Comment: This sequence change falls in intron 15 of the SMC1A gene. It does not directly change the encoded amino acid sequence of the SMC1A protein. This variant is not present in population databases (gnomAD no frequency). This variant has not been reported in the literature in individuals affected with SMC1A-related conditions. Experimental studies and prediction algorithms are not available or were not evaluated, and the effect of this variant on mRNA splicing is currently unknown. In summary, the available evidence is currently insufficient to determine the role of this variant in disease. Therefore, it has been classified as a Variant of Uncertain Significance.

Fulgent Genetics
Classification: Uncertain significance for Congenital muscular hypertrophy-cerebral syndrome; Developmental and epileptic encephalopathy, 85, with or without midline brain defects. Last evaluated: 2024-05-25. Review status: criteria provided, single submitter. Criteria: ACMG Guidelines, 2015. Collection method: clinical testing. Allele origin: germline.

AiLife Diagnostics
Classification: Uncertain significance. Last evaluated: 2021-05-22. Review status: criteria provided, single submitter. Criteria: ACMG Guidelines, 2015. Collection method: clinical testing. Allele origin: germline. Affected: yes. Observed: 1 variant allele.